The following is an entry in ClinVar:

ClinVar aggregate classification (germline): Conflicting classifications of pathogenicity. Review status: criteria provided, conflicting classifications (1 of 4 stars). 8 submissions from 8 submitters: Likely pathogenic (1); Uncertain significance (6); Likely benign (1). Last evaluated 2026-08-01.

Conditions:
RYR1-related disorder. Also called: RYR1-related condition; RYR1-related disorders. Identifiers: MedGen CN239331.
Malignant hyperthermia, susceptibility to, 1 (MHS1). Also called: RYR1-Related Malignant Hyperthermia Susceptibility; Anesthesia related hyperthermia; Malignant hyperpyrexia; Fulminating hyperpyrexia; Pharmacogenic myopathy; Malignant hyperthermia suceptibility 1. Identifiers: Orphanet 423, MedGen C2930980, MONDO:0007783, OMIM 145600.
Central core myopathy (CMYO1A). Also called: CONGENITAL MYOPATHY 1A, AUTOSOMAL DOMINANT, WITH SUSCEPTIBILITY TO MALIGNANT HYPERTHERMIA; Central core disease; Myopathy, central fibrillar. Identifiers: Orphanet 597, MedGen C5830701, MONDO:0007294, OMIM 117000.

Allele frequency attached by ClinVar (database versions not stated): gnomAD below 0.00001 and 0.00005; gnomAD exomes 0.00011 and 0.00020; ExAC 0.00023.
gnomAD v4.1: 158 of 1,613,752 alleles (0.0098%); highest among the groups gnomAD compares: South Asian, 0.17%; 1 homozygote.

Submissions (8):

CeGaT Center for Human Genetics Tuebingen
Classification: Uncertain significance. Last evaluated: 2026-08-01. Review status: criteria provided, single submitter. Criteria: CeGaT Center For Human Genetics Tuebingen Variant Classification Criteria Version 2. Collection method: clinical testing. Allele origin: germline. Affected: yes. Observed: 2 variant alleles.
Comment: RYR1: PM2, PM3:Supporting

Revvity Omics, Revvity
Classification: Uncertain significance. Last evaluated: 2024-12-18. Review status: criteria provided, single submitter. Criteria: ACMG Guidelines, 2015. Collection method: clinical testing. Allele origin: germline.

Blueprint Genetics
Classification: Likely benign. Last evaluated: 2024-09-24. Review status: criteria provided, single submitter. Criteria: ACMG Guidelines, 2015. Collection method: clinical testing. Allele origin: germline.

Women's Health and Genetics/Laboratory Corporation of America, LabCorp
Classification: Uncertain significance. Last evaluated: 2024-09-06. Review status: criteria provided, single submitter. Criteria: LabCorp Variant Classification Summary - May 2015. Collection method: clinical testing. Allele origin: germline.
Comment: Variant summary: RYR1 c.4481T>C (p.Val1494Ala) results in a non-conservative amino acid change in the encoded protein sequence. Four of five in-silico tools predict a damaging effect of the variant on protein function. The variant allele was found at a frequency of 9.8e-05 in 1613752 control chromosomes, predominantly at a frequency of 0.0017 within the South Asian subpopulation in the gnomAD database, including 1 homozygote. This frequency is not significantly higher than estimated for a pathogenic variant in RYR1 causing Congenital Multicore Myopathy With External Ophthalmoplegia, allowing no conclusion about variant significance. c.4481T>C has been reported in the literature in the compound heterozygous state together with a VUS in a fetus with multiple joint contractures and bilateral clubfoot who was suspected of central core disease (Aggarwal_2020, Saini_2022). These report(s) do not provide unequivocal conclusions about association of the variant with Congenital Multicore Myopathy With External Ophthalmoplegia. To our knowledge, no experimental evidence demonstrating an impact on protein function has been reported. The following publications have been ascertained in the context of this evaluation (PMID: 31742715, 35587316). ClinVar contains an entry for this variant (Variation ID: 329029). Based on the evidence outlined above, the variant was classified as uncertain significance.

Labcorp Genetics (formerly Invitae), Labcorp
Classification: Uncertain significance for RYR1-related disorder. Last evaluated: 2024-08-09. Review status: criteria provided, single submitter. Criteria: Invitae Variant Classification Sherloc (09022015). Collection method: clinical testing. Allele origin: germline.
Comment: This sequence change replaces valine, which is neutral and non-polar, with alanine, which is neutral and non-polar, at codon 1494 of the RYR1 protein (p.Val1494Ala). This variant is present in population databases (rs767928113, gnomAD 0.2%). This missense change has been observed in individual(s) with clinical features of RYR1-related conditions (PMID: 31742715, 35587316). ClinVar contains an entry for this variant (Variation ID: 329029). Advanced modeling of protein sequence and biophysical properties (such as structural, functional, and spatial information, amino acid conservation, physicochemical variation, residue mobility, and thermodynamic stability) has been performed at Invitae for this missense variant, however the output from this modeling did not meet the statistical confidence thresholds required to predict the impact of this variant on RYR1 protein function. In summary, the available evidence is currently insufficient to determine the role of this variant in disease. Therefore, it has been classified as a Variant of Uncertain Significance.

Illumina Laboratory Services, Illumina
Classification: Uncertain significance for Malignant hyperthermia, susceptibility to, 1. Last evaluated: 2024-02-02. Review status: criteria provided, single submitter. Criteria: ISL SNV Classification Criteria 03 February 2026. Collection method: clinical testing. Allele origin: unknown.
Comment: The RYR1 c.4481T>C p.(Val1494) missense variant has been observed in a compound heterozygous state with a variant classified as likely benign in an individual with clinical features of RYR1-related conditions (PMID: 31742715). The highest frequency of this allele in the Genome Aggregation Database is 0.001691 in the South Asian population (version 4.0.0). Multiple lines of computational evidence suggest the variant may not impact the gene or gene product. Based on the available evidence. the c.4481T>C p.(Val1494) variant is classified as a variant of uncertain significance for RYR1-related disorders.

All of Us Research Program, National Institutes of Health
Classification: Uncertain significance for Malignant hyperthermia, susceptibility to, 1. Last evaluated: 2023-08-15. Review status: criteria provided, single submitter. Criteria: ACMG Guidelines, 2015. Collection method: clinical testing. Allele origin: germline. Inheritance: Autosomal dominant inheritance. Observed: 1 variant allele, 1 heterozygote.
Comment: This study involves interpretation of variants in research participants for the purpose of population health screening. Participant phenotype was not available at the time of variant classification. Additional details can be found in publication PMID: 35346344, PMCID: PMC8962531

Diagnostics Division, CENTRE FOR DNA FINGERPRINTING AND DIAGNOSTICS
Classification: Likely pathogenic for Central core myopathy. Last evaluated: 2019-01-01. Review status: criteria provided, single submitter. Criteria: ACMG Guidelines, 2015. Collection method: research. Allele origin: germline. Affected: yes. Observed: 1 compound heterozygote.
Comment: Missense variant

Literature cited by the submitters: PubMed 35587316 (cited by Women's Health and Genetics/Laboratory Corporation of America, LabCorp and Labcorp Genetics (formerly Invitae), Labcorp); PubMed 31742715 (cited by 3 submitters).

NM_000540.3(RYR1):c.4481T>C (p.Val1494Ala)

Gene: RYR1 (ryanodine receptor 1; plus strand). Cytogenetic location: 19q13.2.
Variant type: single nucleotide variant.
Coding change: c.4481T>C on transcript NM_000540.3 (MANE Select); coding-DNA position 4481, T replaced by C.
Protein change: p.Val1494Ala; replaces valine 1494 with alanine.
Molecular consequence: missense variant.
Genome position (GRCh38, 1-based): chr19:38,478,461, T>C. VCF-style: chr19-38478461-T-C. GRCh37 (hg19) VCF-style: chr19-38969101-T-C.
Other names: c.4481T>C, p.Val1494Ala (NM_001042723.2); short protein forms V1494A.
Identifiers: ClinVar variation 329029 (VCV000329029.29), dbSNP rs767928113, ClinGen allele CA066143.